The following is an entry in ClinVar:

NM_000397.4(CYBB):c.1649del (p.Ser550fs)

Gene: CYBB (cytochrome b-245 beta chain; plus strand). Cytogenetic location: Xp11.4.
Variant type: Deletion.
Coding change: c.1649del on transcript NM_000397.4 (MANE Select); coding-DNA position 1649, one base deleted (G; older notation c.1649delG).
Protein change: p.Ser550fs; shifts the reading frame from serine 550.
Molecular consequence: frameshift variant.
Genome position (GRCh38, 1-based): chrX:37,810,853, G deleted. VCF-style (leftmost placement, unchanged base first): chrX-37810852-AG-A. GRCh37 (hg19) VCF-style: chrX-37670105-AG-A.
Other names: short protein forms S550fs.
Identifiers: ClinVar variation 3728650 (VCV003728650.2).
Genomic context (GRCh38, chrX:37,810,852, plus strand): 5'-ACCAGAATAGGAGTTTTCCTCTGTGGACCTGAAGCCTTGGCTGAAACCCTGAGTAAACAA[AG>A]CATCTCCAACTCTGAGTCTGGCCCTCGGGGAGTGCATTTCATTTTCAACAAGGAAAACTT-3'

ClinVar aggregate classification (germline): Pathogenic (1 of 4 stars; one submission).

Conditions:
Granulomatous disease, chronic, X-linked. Also called: CYTOCHROME b-NEGATIVE GRANULOMATOUS DISEASE, CHRONIC, X-LINKED; GRANULOMATOUS DISEASE, CHRONIC, X-LINKED, SOMATIC MOSAIC. Identifiers: Orphanet 379, MedGen C1844376, MONDO:0010600, OMIM 306400.

Submission:

Labcorp Genetics (formerly Invitae), Labcorp
Classification: Pathogenic for Granulomatous disease, chronic, X-linked. Last evaluated: 2025-05-14. Review status: criteria provided, single submitter. Criteria: Invitae Variant Classification Sherloc (09022015). Collection method: clinical testing. Allele origin: germline.
Comment: This sequence change is expected to alter the c-terminus of the CYBB protein (p.Ser550Thrfs*27). While this is not anticipated to result in nonsense mediated decay, it is expected to disrupt the last 21 amino acid(s) of the CYBB protein and extend the protein by 5 additional amino acid residues. This variant is not present in population databases (gnomAD no frequency). This variant has not been reported in the literature in individuals affected with CYBB-related conditions. ClinVar contains an entry for this variant (Variation ID: 3728650). This variant disrupts a region of the CYBB protein in which other variant(s) (p.Glu568Lys) have been determined to be pathogenic (PMID: 10627478, 20724480; internal data). This suggests that this is a clinically significant region of the protein, and that variants that disrupt it are likely to be disease-causing. For these reasons, this variant has been classified as Pathogenic.

Literature cited by the submitters: PubMed 10627478; PubMed 20724480.